The following is an entry in ClinVar:

NM_001042492.3(NF1):c.1393-130A>T

Gene: NF1 (neurofibromin 1; plus strand). Cytogenetic location: 17q11.2.
Variant type: single nucleotide variant.
Coding change: c.1393-130A>T on transcript NM_001042492.3 (MANE Select); 130 bases into the intron before coding-DNA position 1393, A replaced by T.
Molecular consequence: intron variant.
Genome position (GRCh38, 1-based): chr17:31,214,321, A>T. VCF-style: chr17-31214321-A-T. GRCh37 (hg19) VCF-style: chr17-29541339-A-T.
Other names: c.1393-130A>T (NM_000267.4, NM_001128147.3).
Identifiers: ClinVar variation 561468 (VCV000561468.1), dbSNP rs2905875, ClinGen allele CA16538110.

ClinVar aggregate classification (germline): Benign (1 of 4 stars; one submission).

Allele frequency attached by ClinVar (database versions not stated): 1000 Genomes Project 30x 0.60978; 1000 Genomes Project 0.61062; TOPMed 0.64706; gnomAD 0.65092 and 0.65251; gnomAD exomes 0.67037.
gnomAD v4.1: 440,030 of 659,990 alleles (67%); highest among the groups gnomAD compares: Middle Eastern, 79%; 148,222 homozygotes.

Submission:

GeneDx
Classification: Benign. Last evaluated: 2018-06-20. Review status: criteria provided, single submitter. Criteria: GeneDx Variant Classification (06012015). Collection method: clinical testing. Allele origin: germline. Affected: yes.
Comment: This variant is considered likely benign or benign based on one or more of the following criteria: it is a conservative change, it occurs at a poorly conserved position in the protein, it is predicted to be benign by multiple in silico algorithms, and/or has population frequency not consistent with disease.